The following is an entry in ClinVar:

NM_001330195.2(NRXN3):c.758-157377ATAA[8]

Gene: NRXN3 (neurexin 3; plus strand). Cytogenetic location: 14q24.3.
Variant type: Microsatellite.
Coding change: c.758-157377ATAA[8] on transcript NM_001330195.2 (MANE Select); eight copies in a row of the 4-base unit ATAA starting at c.758-157377.
Molecular consequence: intron variant.
Genome position: GRCh38 VCF-style: chr14-78487742-CATAAATAAATAAATAA-C. GRCh37 (hg19) VCF-style: chr14-78954085-CATAAATAAATAAATAA-C.
Other names: c.770-157377ATAA[8] (NM_001366426.1); c.758-157377ATAA[8] (NM_001366425.1); c.-363+83865ATAA[8] (NM_004796.6).
Identifiers: ClinVar variation 4822473 (VCV004822473.4).

ClinVar aggregate classification (germline): Benign (1 of 4 stars; one submission).

Submission:

CeGaT Center for Human Genetics Tuebingen
Classification: Benign. Last evaluated: 2026-08-01. Review status: criteria provided, single submitter. Criteria: CeGaT Center For Human Genetics Tuebingen Variant Classification Criteria Version 2. Collection method: clinical testing. Allele origin: germline. Affected: yes. Observed: 3 variant alleles.
Comment: NRXN3: BS1, BS2